The following is an entry in ClinVar:

ClinVar aggregate classification (germline): Uncertain significance. Review status: criteria provided, multiple submitters, no conflicts (2 of 4 stars). 2 submissions from 2 submitters: Uncertain significance (2). Last evaluated 2021-07-20.

Conditions:
Inborn genetic diseases. Identifiers: MedGen C0950123, MeSH D030342.
Neurodevelopmental disorder with brain anomalies and with or without vertebral or cardiac anomalies. Identifiers: MedGen C5231481, MONDO:0032888, OMIM 618731.

Allele frequency attached by ClinVar (database versions not stated): ExAC 0.00001; gnomAD exomes 0.00002; gnomAD 0.00003; TOPMed 0.00006; 1000 Genomes Project 30x 0.00016; 1000 Genomes Project 0.00020.
gnomAD v4.1: 39 of 1,614,030 alleles (0.0024%); highest among the groups gnomAD compares: Admixed American, 0.005%; no homozygotes.

Submissions (2):

Ambry Genetics
Classification: Uncertain significance for Inborn genetic diseases. Last evaluated: 2021-07-20. Review status: criteria provided, single submitter. Criteria: Ambry Variant Classification Scheme 2023. Collection method: clinical testing. Allele origin: germline.

Baylor Genetics
Classification: Uncertain significance for Neurodevelopmental disorder with brain anomalies and with or without vertebral or cardiac anomalies. Last evaluated: 2020-08-20. Review status: criteria provided, single submitter. Criteria: ACMG Guidelines, 2015. Collection method: clinical testing. Allele origin: unknown. Affected: yes.
Comment: This variant was determined to be of uncertain significance according to ACMG Guidelines, 2015 [PMID:25741868].

NM_032656.4(DHX37):c.3302G>A (p.Arg1101His)

Gene: DHX37 (DEAH-box helicase 37; minus strand). Cytogenetic location: 12q24.31.
Variant type: single nucleotide variant.
Coding change: c.3302G>A on transcript NM_032656.4 (MANE Select); coding-DNA position 3302, G replaced by A.
Protein change: p.Arg1101His; replaces arginine 1101 with histidine.
Molecular consequence: missense variant.
Genome position (GRCh38, 1-based): chr12:124,948,170, C>T on the plus strand (G>A on the coding strand, the complement: DHX37 is on the minus strand). VCF-style: chr12-124948170-C-T. GRCh37 (hg19) VCF-style: chr12-125432716-C-T.
Other names: short protein forms R1101H.
Identifiers: ClinVar variation 1030048 (VCV001030048.4), dbSNP rs200165099, ClinGen allele CA6871254.
Genomic context (GRCh38, chr12:124,948,170, plus strand): 5'-AGCAAGGCTTCATGGCAGTCAGCCTTCTCTGCAACCAGGGCTCGCAGAAGGCTCTCCGTA[C>T]GGGGCTGCAGCCTGTGGGGCAGGAATGCACGTTGGTGGCAGGCAGCCAGGGCACAGACCG-3'
Protein context (NP_116045.2, residues 1091-1111): MLKTWARLQP[Arg1101His]TESLLRALVA